The following is an entry in ClinVar:

NM_014780.5(CUL7):c.4139T>C (p.Leu1380Pro)

Gene: CUL7 (cullin 7; minus strand). Cytogenetic location: 6p21.1.
Variant type: single nucleotide variant.
Coding change: c.4139T>C on transcript NM_014780.5 (MANE Select); coding-DNA position 4139, T replaced by C.
Protein change: p.Leu1380Pro; replaces leucine 1380 with proline.
Molecular consequence: missense variant.
Genome position (GRCh38, 1-based): chr6:43,040,311, A>G on the plus strand (T>C on the coding strand, the complement: CUL7 is on the minus strand). VCF-style: chr6-43040311-A-G. GRCh37 (hg19) VCF-style: chr6-43008049-A-G.
Other names: c.4235T>C, p.Leu1412Pro (NM_001168370.2, NM_001374872.1); c.4139T>C, p.Leu1380Pro (NM_001374873.1); c.4136T>C, p.Leu1379Pro (NM_001374874.1); short protein forms L1380P, L1379P, L1412P.
Identifiers: ClinVar variation 1945181 (VCV001945181.5), dbSNP rs118134933, ClinGen allele CA3813287.

ClinVar aggregate classification (germline): Uncertain significance (1 of 4 stars; one submission).

Allele frequency attached by ClinVar (database versions not stated): gnomAD exomes below 0.00001; ExAC 0.00001; gnomAD 0.00001; TOPMed 0.00001; 1000 Genomes Project 30x 0.00016; 1000 Genomes Project 0.00020.

Submission:

Labcorp Genetics (formerly Invitae), Labcorp
Classification: Uncertain significance. Last evaluated: 2025-01-20. Review status: criteria provided, single submitter. Criteria: Invitae Variant Classification Sherloc (09022015). Collection method: clinical testing. Allele origin: germline.
Comment: This sequence change replaces leucine, which is neutral and non-polar, with proline, which is neutral and non-polar, at codon 1380 of the CUL7 protein (p.Leu1380Pro). This variant is present in population databases (rs118134933, gnomAD 0.006%). This variant has not been reported in the literature in individuals affected with CUL7-related conditions. ClinVar contains an entry for this variant (Variation ID: 1945181). Invitae Evidence Modeling of protein sequence and biophysical properties (such as structural, functional, and spatial information, amino acid conservation, physicochemical variation, residue mobility, and thermodynamic stability) indicates that this missense variant is not expected to disrupt CUL7 protein function with a negative predictive value of 80%. In summary, the available evidence is currently insufficient to determine the role of this variant in disease. Therefore, it has been classified as a Variant of Uncertain Significance.